The following is an entry in ClinVar:

ClinVar aggregate classification (germline): Uncertain significance (1 of 4 stars; one submission).

Conditions:
Early-infantile DEE. Also called: Early infantile epileptic encephalopathy; Ohtahara syndrome; Early infantile epileptic encephalopathy with suppression bursts. Identifiers: Orphanet 1934, MedGen C0393706, MONDO:0800491.

Submission:

Labcorp Genetics (formerly Invitae), Labcorp
Classification: Uncertain significance for Early-infantile DEE. Last evaluated: 2022-05-03. Review status: criteria provided, single submitter. Criteria: Invitae Variant Classification Sherloc (09022015). Collection method: clinical testing. Allele origin: germline.
Comment: In summary, the available evidence is currently insufficient to determine the role of this variant in disease. Therefore, it has been classified as a Variant of Uncertain Significance. Algorithms developed to predict the effect of missense changes on protein structure and function are either unavailable or do not agree on the potential impact of this missense change (SIFT: "Deleterious"; PolyPhen-2: "Probably Damaging"; Align-GVGD: "Class C15"). This variant has not been reported in the literature in individuals affected with ST3GAL3-related conditions. This variant is not present in population databases (gnomAD no frequency). This sequence change replaces glycine, which is neutral and non-polar, with arginine, which is basic and polar, at codon 297 of the ST3GAL3 protein (p.Gly297Arg).

NM_006279.5(ST3GAL3):c.889G>C (p.Gly297Arg)

Gene: ST3GAL3 (ST3 beta-galactoside alpha-2,3-sialyltransferase 3; plus strand). Cytogenetic location: 1p34.1.
Variant type: single nucleotide variant.
Coding change: c.889G>C on transcript NM_006279.5 (MANE Select); coding-DNA position 889, G replaced by C.
Protein change: p.Gly297Arg; replaces glycine 297 with arginine.
Molecular consequence: missense variant. On other transcripts: non-coding transcript variant (6), intron variant (11).
Genome position (GRCh38, 1-based): chr1:43,920,548, G>C. VCF-style: chr1-43920548-G-C. GRCh37 (hg19) VCF-style: chr1-44386220-G-C.
Other names: c.799G>C, p.Gly267Arg (NM_001270459.2); c.796G>C, p.Gly266Arg (NM_001270460.2); c.934G>C, p.Gly312Arg (NM_001350619.2, NM_174964.4); c.889G>C, p.Gly297Arg (NM_001350620.2); c.610G>C, p.Gly204Arg (NM_001350621.2); c.841G>C, p.Gly281Arg (NM_001410781.1, NM_174969.4); c.1096G>C, p.Gly366Arg (NM_174963.5); c.1051G>C, p.Gly351Arg (NM_174968.5); and 12 more; short protein forms G281R, G297R, G204R, G266R, G267R, G351R, G366R, G312R.
Identifiers: ClinVar variation 2133120 (VCV002133120.4), dbSNP rs1367773529, ClinGen allele CA340032321.